The following is an entry in ClinVar:

ClinVar aggregate classification (germline): Pathogenic. Review status: reviewed by expert panel (3 of 4 stars). 2 submissions from 2 submitters: Pathogenic (1). 1 of the submissions does not count toward it. Last evaluated 2026-05-19.

Conditions:
PIK3R1-related immunodeficiency and SHORT syndrome. Identifiers: MedGen CN379774, MONDO:1060136.
Immunodeficiency 36 with lymphoproliferation. Also called: ACTIVATED PI3K-DELTA SYNDROME 2; Immunodeficiency 36; Activated PI3K Delta Syndrome Type 2 (APDS2). Identifiers: Orphanet 397596, Orphanet 693681, MedGen C4014934, MONDO:0014453, OMIM 616005.

Submissions (2):

ClinGen Primary Immune Regulatory Disorders Variant Curation Expert Panel, ClinGen
Classification: Pathogenic for PIK3R1-related immunodeficiency and SHORT syndrome. Last evaluated: 2026-05-19. Review status: reviewed by expert panel. Criteria: ClinGen AbDef ACMG Specifications PIK3R1 V1.0.0. Collection method: curation. Allele origin: germline. Inheritance: Autosomal dominant inheritance.
Comment: NM_181523.3(PIK3R1):c.1425+2_1425+3del disrupts a canonical splice site in intron 11 and has been shown by an RT-PCR assay to cause exon 11 skipping in T-cell blast RNA from an affected patient (PMID: 27221134), indicating that the variant disrupts protein function (PVS1_Strong). Another splicing variant within the same +1/+2 dinucleotide of intron 11, NM_181523.3(PIK3R1):c.1425+1G>A (PMID: 25488983), has been classified as pathogenic for PIK3R1-related immunodeficiency and SHORT syndrome by the ClinGen Antibody Deficiencies VCEP (PMID: 37352859, PS1). This variant is absent from gnomAD v4.1.0 (PM2_Supporting). At least one patient with this variant had a phenotype that included diagnosis of activated PI3K-delta syndrome with childhood onset, recurrent upper respiratory infections and pneumonia (4 pts), chronic diarrhea and gastroenteritis associated with bacterial infections, splenomegaly (4 pts), neurodevelopmental delay (1 pts), growth retardation (2 pts), CMV chronic replication (3 pts), decreased circulating IgG (0.5 pts) and increased circulating IgM levels (0.5 pts), and B lymphocytopenia (0.5 pt), satisfying the requirement for inclusion in PS4 (15.5 points, PMID: 27221134, PS4_Supporting). In summary, this variant meets the criteria to be classified as pathogenic for PIK3R1-related immunodeficiency and SHORT syndrome based on the ACMG/AMP criteria applied, as specified by the ClinGen Antibody Deficiencies VCEP: PVS1_Strong, PS1, PM2_Supporting, and PS4_Supporting. (VCEP specifications version 1.0.0; date of approval 04/29/2026).

OMIM
Classification: Pathogenic for IMMUNODEFICIENCY 36 WITH LYMPHOPROLIFERATION. Last evaluated: 2023-03-15. Review status: no assertion criteria provided. Collection method: literature only. Allele origin: germline. Not counted in ClinVar's aggregate classification.

Literature cited by the submitters: PubMed 27221134 (cited by OMIM).

NM_181523.3(PIK3R1):c.1425+2_1425+3del

Gene: PIK3R1 (phosphoinositide-3-kinase regulatory subunit 1; plus strand). Cytogenetic location: 5q13.1.
Variant type: Deletion.
Coding change: c.1425+2_1425+3del on transcript NM_181523.3 (MANE Select); the canonical splice donor site of the intron after coding-DNA position 1425 through 3 bases into the intron after coding-DNA position 1425, 2 bases deleted (TG; older notation c.1425+2_1425+3delTG).
Molecular consequence: splice donor variant.
Genome position (GRCh38, 1-based): chr5:68,293,836-68,293,837, TG deleted; deleting any 2 consecutive bases within chr5:68,293,835-68,293,837 gives the same sequence; the c. name uses the placement nearest the transcript's 3' end. VCF-style (leftmost placement, unchanged base first): chr5-68293834-GGT-G. GRCh37 (hg19) VCF-style: chr5-67589662-GGT-G.
Other names: c.525+2_525+3del (NM_181524.2); c.615+2_615+3del (NM_181504.4); c.336+2_336+3del (NM_001242466.2).
Identifiers: ClinVar variation 446499 (VCV000446499.3), dbSNP rs1554051067, ClinGen allele CA658657449.
Genomic context (GRCh38, chr5:68,293,834, plus strand): 5'-GTTTCAAGAAAAAAGTCGAGAATATGATAGATTATATGAAGAATATACCCGCACATCCCA[GGT>G]GAGTTTTCTATGAAAATCAGATTAAAAAATAAGAGTTCTAAACTTTTAAAGACTAACATG-3'